The following is an entry in ClinVar:

ClinVar aggregate classification (germline): Benign. Review status: criteria provided, multiple submitters, no conflicts (2 of 4 stars). 6 submissions from 5 submitters: Benign (6). Last evaluated 2026-02-02.

Conditions:
X-linked agammaglobulinemia with growth hormone deficiency (IGHD3). Also called: ISOLATED GROWTH HORMONE DEFICIENCY, TYPE III, WITH AGAMMAGLOBULINEMIA; AGAMMAGLOBULINEMIA AND ISOLATED GROWTH HORMONE DEFICIENCY, X-LINKED; FLEISHER SYNDROME; HYPOGAMMAGLOBULINEMIA AND ISOLATED GROWTH HORMONE DEFICIENCY, X-LINKED; IGHD III; Isolated growth hormone deficiency type 3. Identifiers: Orphanet 231692, Orphanet 631, MedGen C0472813, MONDO:0010615, OMIM 307200.
X-linked agammaglobulinemia (XLA). Also called: Bruton-type agammaglobulinemia; Agammaglobulinemia, Bruton tyrosine kinase; Agammaglobulinemia, BTK; BTK-deficiency; IMMUNODEFICIENCY 1; Bruton's agammaglobulinemia. Identifiers: Orphanet 229717, Orphanet 47, MedGen C0221026, MONDO:0010421, OMIM 300755.

Allele frequency attached by ClinVar (database versions not stated): gnomAD exomes 0.00208 and 0.00597; ExAC 0.00737; 1000 Genomes Project 0.01616; 1000 Genomes Project 30x 0.01623; gnomAD 0.01828 and 0.01964; TOPMed 0.02256; ESP Exome Variant Server 0.02575.
gnomAD v4.1: 4,481 of 1,209,071 alleles (0.37%); highest among the groups gnomAD compares: African/African-American, 6.3%; 93 homozygotes.

Submissions (6):

Labcorp Genetics (formerly Invitae), Labcorp
Classification: Benign for X-linked agammaglobulinemia with growth hormone deficiency. Last evaluated: 2026-02-02. Review status: criteria provided, single submitter. Criteria: Invitae Variant Classification Sherloc (09022015). Collection method: clinical testing. Allele origin: germline.

ARUP Laboratories, Molecular Genetics and Genomics, ARUP Laboratories
Classification: Benign. Last evaluated: 2025-05-23. Review status: criteria provided, single submitter. Criteria: ARUP Molecular Germline Variant Investigation Process 2024. Collection method: clinical testing. Allele origin: germline.

Mayo Clinic Laboratories, Mayo Clinic
Classification: Benign. Last evaluated: 2019-04-12. Review status: criteria provided, single submitter. Criteria: ACMG Guidelines, 2015. Collection method: clinical testing. Allele origin: germline. Observed: 10 variant alleles.

Illumina Laboratory Services, Illumina
Classification: Benign for X-linked agammaglobulinemia. Last evaluated: 2017-04-27. Review status: criteria provided, single submitter. Criteria: ICSL Variant Classification Criteria 13 December 2019. Collection method: clinical testing. Allele origin: germline.
Comment: This variant was observed as part of a predisposition screen in an ostensibly healthy population. A literature search was performed for the gene, cDNA change, and amino acid change (where applicable). No publications were found based on this search. Allele frequency data from public databases was too high to be consistent with this variant causing disease. Therefore, this variant is classified as benign.

Illumina Laboratory Services, Illumina
Classification: Benign for X-linked agammaglobulinemia with growth hormone deficiency. Last evaluated: 2017-04-27. Review status: criteria provided, single submitter. Criteria: ICSL Variant Classification Criteria 13 December 2019. Collection method: clinical testing. Allele origin: germline.
Comment: the same text as in the submission from Illumina Laboratory Services, Illumina above.

Breakthrough Genomics
Classification: Benign. Review status: criteria provided, single submitter. Criteria: ACMG Guidelines, 2015. Collection method: not provided. Allele origin: germline. Inheritance: X-linked inheritance. Affected: yes.

NM_000061.3(BTK):c.954T>C (p.Ser318=)

Gene: BTK (Bruton tyrosine kinase; minus strand). Cytogenetic location: Xq22.1.
Variant type: single nucleotide variant.
Coding change: c.954T>C on transcript NM_000061.3 (MANE Select); coding-DNA position 954, T replaced by C.
Protein change: p.Ser318=; no amino-acid change (serine 318 retained).
Molecular consequence: synonymous variant.
Genome position (GRCh38, 1-based): chrX:101,358,637, A>G on the plus strand (T>C on the coding strand, the complement: BTK is on the minus strand). VCF-style: chrX-101358637-A-G. GRCh37 (hg19) VCF-style: chrX-100613625-A-G.
Other names: p.Ser318=; c.1056T>C, p.Ser352= (NM_001287344.2); c.954T>C, p.Ser318= (NM_001287345.2).
Identifiers: ClinVar variation 367695 (VCV000367695.27), dbSNP rs5991926, ClinGen allele CA10473085.